The following is an entry in ClinVar:

ClinVar aggregate classification (germline): Pathogenic/Likely pathogenic. Review status: criteria provided, multiple submitters, no conflicts (2 of 4 stars). 2 submissions from 2 submitters: Pathogenic (1); Likely pathogenic (1). Last evaluated 2024-10-25.

Conditions:
Hyperinsulinemic hypoglycemia, familial, 1 (HHF1). Also called: Persistent hyperinsulinemic hypoglycemia of infancy; HYPERINSULINISM, FAMILIAL, WITH PANCREATIC NESIDIOBLASTOSIS; HYPOGLYCEMIA, HYPERINSULINEMIC, OF INFANCY; NESIDIOBLASTOSIS OF PANCREAS; Persistent Hyperinsulinemia Hypoglycemia of Infancy. Identifiers: Orphanet 276575, Orphanet 276598, MedGen C2931832, MONDO:0009734, OMIM 256450.
Hereditary hyperinsulinism.

Submissions (2):

Myriad Genetics, Inc.
Classification: Pathogenic for Hyperinsulinemic hypoglycemia, familial, 1. Last evaluated: 2024-10-25. Review status: criteria provided, single submitter. Criteria: Myriad Autosomal Dominant, Autosomal Recessive and X-Linked Classification Criteria (2023). Collection method: clinical testing. Allele origin: unknown.
Comment: NM_000352.3(ABCC8):c.2121delG(Q707Hfs*2) is expected to be pathogenic in the context of familial hyperinsulinism, ABCC8-related. This variant is predicted to lead to an abnormal or absent protein product due to the creation of a premature termination codon in ABCC8, a gene where loss-of-function variants are known to be pathogenic. Please note: this variant was assessed in the context of healthy population screening.

Natera, Inc.
Classification: Likely pathogenic for Hereditary hyperinsulinism. Last evaluated: 2024-03-04. Review status: criteria provided, single submitter. Criteria: Natera Variant Classification Schema (03/2026). Collection method: clinical testing. Allele origin: germline.
Comment: The c.2121delG variant in ABCC8 is a frameshift variant predicted to shift the reading frame beginning at codon 707 and leads to a stop codon 2 codons downstream. This variant is expected to result in nonsense mediated decay, truncation, or a dysfunctional protein product. This variant is rare in the general population with a frequency below the threshold expected for the associated phenotype(s). Given the available evidence, this variant is classified as Likely Pathogenic.

NM_000352.6(ABCC8):c.2121del (p.Gln707fs)

Gene: ABCC8 (ATP binding cassette subfamily C member 8; minus strand). Cytogenetic location: 11p15.1.
Variant type: Deletion.
Coding change: c.2121del on transcript NM_000352.6 (MANE Select); coding-DNA position 2121, one base deleted (G; older notation c.2121delG).
Protein change: p.Gln707fs; shifts the reading frame from glutamine 707.
Molecular consequence: frameshift variant. On other transcripts: non-coding transcript variant (1).
Genome position (GRCh38, 1-based): chr11:17,427,150, C deleted on the plus strand (G on the coding strand, the reverse complement: ABCC8 is on the minus strand). VCF-style (leftmost placement, unchanged base first): chr11-17427149-GC-G. GRCh37 (hg19) VCF-style: chr11-17448696-GC-G.
Other names: c.2121del, p.Gln707fs (NM_001287174.3); c.2187del, p.Gln729fs (NM_001351295.2); c.2118del, p.Gln706fs (NM_001351296.2, NM_001351297.2); short protein forms Q706fs, Q707fs, Q729fs.
Identifiers: ClinVar variation 4818242 (VCV004818242.2).
Genomic context (GRCh38, chr11:17,427,149, plus strand): 5'-CCAGTGCGGCTAGAAGGAGCGAGGACTTGCCGCAGCCCACCTGCCCCACGATCATAGTCA[GC>G]TGGCCTGCAGGGAGGGAGGGTGGCAGATGTGAGTGGGGCCGGGGGAGTCTGAACAACCAT-3'